The following is an entry in ClinVar:

NM_022124.6(CDH23):c.8308+4G>C

Gene: CDH23 (cadherin related 23; plus strand). Cytogenetic location: 10q22.1.
Variant type: single nucleotide variant.
Coding change: c.8308+4G>C on transcript NM_022124.6 (MANE Select); 4 bases into the intron after coding-DNA position 8308, G replaced by C.
Molecular consequence: intron variant.
Genome position (GRCh38, 1-based): chr10:71,807,410, G>C. VCF-style: chr10-71807410-G-C. GRCh37 (hg19) VCF-style: chr10-73567167-G-C.
Other names: c.8308+4G>C (NM_022124.5); c.1588+4G>C (NM_001171933.1, NM_001171934.1).
Identifiers: ClinVar variation 998755 (VCV000998755.7), dbSNP rs751021859, ClinGen allele CA5546607.
Genomic context (GRCh38, chr10:71,807,410, plus strand): 5'-CAGGCGCAGTGGATGCAGATGAGGGCCCCAACGCGATCGTGTACTACTTCATCGCAGGTG[G>C]GGCCAGACAGAGCTAGTGCCCTGATTACCCTGGGGCTAGAGATGACCCACATATGCCCTG-3'

ClinVar aggregate classification (germline): Conflicting classifications of pathogenicity. Review status: criteria provided, conflicting classifications (1 of 4 stars). 4 submissions from 4 submitters: Uncertain significance (1); Likely benign (1). 2 of the submissions do not count toward it. Last evaluated 2023-11-24.

Conditions:
CDH23-related disorder. Also called: CDH23-related disorders; CDH23-related condition.
Usher syndrome type 1 (USH1). Also called: RETINITIS PIGMENTOSA AND CONGENITAL DEAFNESS. Identifiers: Orphanet 231169, Orphanet 886, MedGen C1568247, MONDO:0010168, OMIM 276900.

Allele frequency attached by ClinVar (database versions not stated): TOPMed 0.00001; ExAC 0.00002.
gnomAD v4.1: 6 of 1,613,736 alleles (0.00037%); highest among the groups gnomAD compares: Non-Finnish European, 0.00051%; no homozygotes.

Submissions (4):

Blueprint Genetics
Classification: Likely benign. Last evaluated: 2023-11-24. Review status: criteria provided, single submitter. Criteria: ACMG Guidelines, 2015. Collection method: clinical testing. Allele origin: germline.

Labcorp Genetics (formerly Invitae), Labcorp
Classification: Uncertain significance. Last evaluated: 2022-03-09. Review status: criteria provided, single submitter. Criteria: Invitae Variant Classification Sherloc (09022015). Collection method: clinical testing. Allele origin: germline.
Comment: This sequence change falls in intron 58 of the CDH23 gene. It does not directly change the encoded amino acid sequence of the CDH23 protein. It affects a nucleotide within the consensus splice site. This variant is present in population databases (rs751021859, gnomAD 0.002%). This variant has not been reported in the literature in individuals affected with CDH23-related conditions. ClinVar contains an entry for this variant (Variation ID: 998755). Variants that disrupt the consensus splice site are a relatively common cause of aberrant splicing (PMID: 17576681, 9536098). Algorithms developed to predict the effect of sequence changes on RNA splicing suggest that this variant is not likely to affect RNA splicing. In summary, the available evidence is currently insufficient to determine the role of this variant in disease. Therefore, it has been classified as a Variant of Uncertain Significance.

PreventionGenetics, part of Exact Sciences
Classification: Likely benign for CDH23-related condition. Last evaluated: 2020-03-26. Review status: no assertion criteria provided. Collection method: clinical testing. Allele origin: germline. Not counted in ClinVar's aggregate classification.
Comment: This variant is classified as likely benign based on ACMG/AMP sequence variant interpretation guidelines (Richards et al. 2015 PMID: 25741868, with internal and published modifications).

Natera, Inc.
Classification: Uncertain significance for Usher syndrome type 1. Last evaluated: 2020-03-14. Review status: no assertion criteria provided. Collection method: clinical testing. Allele origin: germline. Not counted in ClinVar's aggregate classification.

Literature cited by the submitters: PubMed 17576681 (cited by Labcorp Genetics (formerly Invitae), Labcorp); PubMed 9536098 (cited by Labcorp Genetics (formerly Invitae), Labcorp).